The following is an entry in ClinVar:

ClinVar aggregate classification (germline): Uncertain significance (1 of 4 stars; one submission).

Conditions:
Susceptibility to respiratory infections associated with CD8alpha chain mutation (IMD116). Also called: IMMUNODEFICIENCY 116; Cd8 deficiency, familial. Identifiers: Orphanet 169085, MedGen C1837065, MONDO:0012161, OMIM 608957.

gnomAD v4.1: 1 of 1,483,692 alleles (0.000067%); no homozygotes.

Submission:

Labcorp Genetics (formerly Invitae), Labcorp
Classification: Uncertain significance for Susceptibility to respiratory infections associated with CD8alpha chain mutation. Last evaluated: 2024-01-29. Review status: criteria provided, single submitter. Criteria: Invitae Variant Classification Sherloc (09022015). Collection method: clinical testing. Allele origin: germline.
Comment: This sequence change replaces valine, which is neutral and non-polar, with methionine, which is neutral and non-polar, at codon 172 of the CD8A protein (p.Val172Met). This variant also falls at the last nucleotide of exon 3, which is part of the consensus splice site for this exon. This variant is not present in population databases (gnomAD no frequency). This variant has not been reported in the literature in individuals affected with CD8A-related conditions. An algorithm developed to predict the effect of missense changes on protein structure and function (PolyPhen-2) suggests that this variant is likely to be disruptive. Variants that disrupt the consensus splice site are a relatively common cause of aberrant splicing (PMID: 17576681, 9536098). Algorithms developed to predict the effect of sequence changes on RNA splicing suggest that this variant may disrupt the consensus splice site. In summary, the available evidence is currently insufficient to determine the role of this variant in disease. Therefore, it has been classified as a Variant of Uncertain Significance.

Literature cited by the submitters: PubMed 17576681; PubMed 9536098.

NM_001768.7(CD8A):c.514G>A (p.Val172Met)

Gene: CD8A (CD8 subunit alpha; minus strand). Cytogenetic location: 2p11.2.
Variant type: single nucleotide variant.
Coding change: c.514G>A on transcript NM_001768.7 (MANE Select); coding-DNA position 514, G replaced by A.
Protein change: p.Val172Met; replaces valine 172 with methionine.
Molecular consequence: missense variant. On other transcripts: non-coding transcript variant (3).
Genome position (GRCh38, 1-based): chr2:86,789,640, C>T on the plus strand (G>A on the coding strand, the complement: CD8A is on the minus strand). VCF-style: chr2-86789640-C-T. GRCh37 (hg19) VCF-style: chr2-87016763-C-T.
Other names: c.514G>A, p.Val172Met (NM_001145873.1, NM_001382698.1); c.514G>A, p.Gly172Arg (NM_171827.4); short protein forms G172R, V172M.
Identifiers: ClinVar variation 2834635 (VCV002834635.2), dbSNP rs1673181666, ClinGen allele CA347576265.